The following is an entry in ClinVar:

ClinVar aggregate classification (germline): Likely pathogenic (1 of 4 stars; one submission).

Conditions:
Epidermolysis bullosa dystrophica. Also called: Dystrophic epidermolysis bullosa, Hallopeau-Siemens type (formerly); Dystrophic epidermolysis bullosa. Identifiers: Orphanet 303, MedGen C0079294, MONDO:0006543.

Submission:

Natera, Inc.
Classification: Likely pathogenic for Dystrophic epidermolysis bullosa. Last evaluated: 2025-12-23. Review status: criteria provided, single submitter. Criteria: Natera Variant Classification Schema (03/2026). Collection method: clinical testing. Allele origin: germline.
Comment: The c.6619-1G>C variant in COL7A1 is a canonical splice acceptor site variant predicted to affect pre-mRNA splicing, which may result in an abnormal transcript and altered protein product. This variant is expected to result in nonsense mediated decay, truncation, or a dysfunctional protein product. This variant is rare in the general population with a frequency below the threshold expected for the associated phenotype(s). Given the available evidence, this variant is classified as Likely Pathogenic.

NM_000094.4(COL7A1):c.6619-1G>C

Gene: COL7A1 (collagen type VII alpha 1 chain; minus strand). Cytogenetic location: 3p21.31.
Variant type: single nucleotide variant.
Coding change: c.6619-1G>C on transcript NM_000094.4 (MANE Select); the canonical splice acceptor site of the intron before coding-DNA position 6619, G replaced by C.
Molecular consequence: splice acceptor variant.
Genome position (GRCh38, 1-based): chr3:48,573,349, C>G on the plus strand (G>C on the coding strand, the complement: COL7A1 is on the minus strand). VCF-style: chr3-48573349-C-G. GRCh37 (hg19) VCF-style: chr3-48610782-C-G.
Identifiers: ClinVar variation 4817394 (VCV004817394.1).